The following is an entry in ClinVar:

ClinVar aggregate classification (germline): Conflicting classifications of pathogenicity. Review status: criteria provided, conflicting classifications (1 of 4 stars). 3 submissions from 3 submitters: Pathogenic (2); Uncertain significance (1). Last evaluated 2025-05-03.

Submissions (3):

GeneDx
Classification: Pathogenic. Last evaluated: 2025-05-03. Review status: criteria provided, single submitter. Criteria: GeneDx Variant Classification Process June 2021. Collection method: clinical testing. Allele origin: germline. Affected: yes.
Comment: Not observed at significant frequency in large population cohorts (gnomAD); In silico analysis supports that this missense variant has a deleterious effect on protein structure/function; This variant is associated with the following publications: (PMID: 36028527)

CeGaT Center for Human Genetics Tuebingen
Classification: Pathogenic. Last evaluated: 2024-10-01. Review status: criteria provided, single submitter. Criteria: CeGaT Center For Human Genetics Tuebingen Variant Classification Criteria Version 2. Collection method: clinical testing. Allele origin: germline. Affected: yes. Observed: 1 variant allele.
Comment: DPF2: PM1, PM2, PM5, PS2:Moderate, PP2, PP3

Labcorp Genetics (formerly Invitae), Labcorp
Classification: Uncertain significance. Last evaluated: 2022-05-06. Review status: criteria provided, single submitter. Criteria: Invitae Variant Classification Sherloc (09022015). Collection method: clinical testing. Allele origin: germline.
Comment: In summary, the available evidence is currently insufficient to determine the role of this variant in disease. Therefore, it has been classified as a Variant of Uncertain Significance. This variant disrupts the p.Arg350 amino acid residue in DPF2. Other variant(s) that disrupt this residue have been determined to be pathogenic (PMID: 29429572). This suggests that this residue is clinically significant, and that variants that disrupt this residue are likely to be disease-causing. Algorithms developed to predict the effect of missense changes on protein structure and function are either unavailable or do not agree on the potential impact of this missense change (SIFT: "Deleterious"; PolyPhen-2: "Probably Damaging"; Align-GVGD: "Class C0"). This variant has not been reported in the literature in individuals affected with DPF2-related conditions. This variant is not present in population databases (gnomAD no frequency). This sequence change replaces arginine, which is basic and polar, with cysteine, which is neutral and slightly polar, at codon 350 of the DPF2 protein (p.Arg350Cys).

Literature cited by the submitters: PubMed 29429572 (cited by Labcorp Genetics (formerly Invitae), Labcorp).

NM_006268.5(DPF2):c.1048C>T (p.Arg350Cys)

Gene: DPF2 (double PHD fingers 2; plus strand). Cytogenetic location: 11q13.1.
Variant type: single nucleotide variant.
Coding change: c.1048C>T on transcript NM_006268.5 (MANE Select); coding-DNA position 1048, C replaced by T.
Protein change: p.Arg350Cys; replaces arginine 350 with cysteine.
Molecular consequence: missense variant.
Genome position (GRCh38, 1-based): chr11:65,348,880, C>T. VCF-style: chr11-65348880-C-T. GRCh37 (hg19) VCF-style: chr11-65116351-C-T.
Other names: c.1090C>T, p.Arg364Cys (NM_001330308.2); c.1048C>T (NM_006268.4); short protein forms R350C, R364C.
Identifiers: ClinVar variation 1976815 (VCV001976815.20), dbSNP rs2495413658, ClinGen allele CA381232497.